The following is an entry in ClinVar:

NM_024675.4(PALB2):c.3449TCC[1] (p.Leu1151del)

Gene: PALB2 (partner and localizer of BRCA2; minus strand). Cytogenetic location: 16p12.2.
Variant type: Microsatellite.
Coding change: c.3449TCC[1] on transcript NM_024675.4 (MANE Select); one copy of the 3-base unit TCC starting at c.3449; the reference has two copies in a row; one copy, 3 bases deleted; also written c.3452_3454del.
Protein change: p.Leu1151del; deletes leucine 1151.
Molecular consequence: inframe deletion.
Genome position (GRCh38, 1-based): chr16:23,603,566-23,603,568, GGA deleted on the plus strand (TCC on the coding strand, the reverse complement: PALB2 is on the minus strand); deleting any 3 consecutive bases within chr16:23,603,566-23,603,573 gives the same sequence; the position shown is the placement nearest the transcript's 3' end. VCF-style (leftmost placement, unchanged base first): chr16-23603565-GGGA-G. GRCh37 (hg19) VCF-style: chr16-23614886-GGGA-G.
Other names: c.3452_3454del (NM_024675.4); c.3452_3454delTCC (NM_024675.3); short protein forms L1151del.
Identifiers: ClinVar variation 661975 (VCV000661975.11), dbSNP rs1597062091, ClinGen allele CA915949156.

ClinVar aggregate classification (germline): Uncertain significance. Review status: criteria provided, multiple submitters, no conflicts (2 of 4 stars). 2 submissions from 2 submitters: Uncertain significance (2). Last evaluated 2023-08-18.

Conditions:
Familial cancer of breast. Also called: BREAST CANCER, FAMILIAL; hereditary breast carcinoma; Hereditary breast cancer. Identifiers: Orphanet 227535, MedGen C0346153, MONDO:0016419, OMIM 114480. Disease mechanism: loss of function.
Hereditary cancer-predisposing syndrome. Also called: Neoplastic Syndromes, Hereditary; Tumor predisposition; Hereditary neoplastic syndrome; Hereditary Cancer Syndrome. Identifiers: Orphanet 140162, MedGen C0027672, MeSH D009386, MONDO:0015356.

Submissions (2):

Labcorp Genetics (formerly Invitae), Labcorp
Classification: Uncertain significance for Familial cancer of breast. Last evaluated: 2023-08-18. Review status: criteria provided, single submitter. Criteria: Invitae Variant Classification Sherloc (09022015). Collection method: clinical testing. Allele origin: germline.
Comment: In summary, the available evidence is currently insufficient to determine the role of this variant in disease. Therefore, it has been classified as a Variant of Uncertain Significance. Experimental studies and prediction algorithms are not available or were not evaluated, and the functional significance of this variant is currently unknown. ClinVar contains an entry for this variant (Variation ID: 661975). This variant has not been reported in the literature in individuals affected with PALB2-related conditions. This variant is not present in population databases (gnomAD no frequency). This variant, c.3452_3454del, results in the deletion of 1 amino acid(s) of the PALB2 protein (p.Leu1151del), but otherwise preserves the integrity of the reading frame.

Color Diagnostics, LLC DBA Color Health
Classification: Uncertain significance for Hereditary cancer-predisposing syndrome. Last evaluated: 2022-03-01. Review status: criteria provided, single submitter. Criteria: ACMG Guidelines, 2015. Collection method: clinical testing. Allele origin: germline.
Comment: This variant causes the in-frame deletion of Leucine 1151 in the PALB2 protein. To our knowledge, functional studies have not been reported for this variant. This variant has not been reported in individuals affected with hereditary cancer in the literature. This variant has not been identified in the general population by the Genome Aggregation Database (gnomAD). The available evidence is insufficient to determine the role of this variant in disease conclusively. Therefore, this variant is classified as a Variant of Uncertain Significance.